The following is an entry in ClinVar:

NM_001378615.1(CC2D2A):c.3567A>G (p.Pro1189=)

Genes: CC2D2A (coiled-coil and C2 domain containing 2A; plus strand), FBXL5 (F-box and leucine rich repeat protein 5; minus strand). Cytogenetic location: 4p15.32.
Variant type: single nucleotide variant.
Coding change: c.3567A>G on transcript NM_001378615.1 (MANE Select); coding-DNA position 3567, A replaced by G.
Protein change: p.Pro1189=; no amino-acid change (proline 1189 retained).
Molecular consequence: synonymous variant.
Genome position (GRCh38, 1-based): chr4:15,570,469, A>G. VCF-style: chr4-15570469-A-G. GRCh37 (hg19) VCF-style: chr4-15572092-A-G.
Other names: c.3567A>G, p.Pro1189= (NM_001080522.2); c.3420A>G, p.Pro1140= (NM_001378617.1).
Identifiers: ClinVar variation 461749 (VCV000461749.5), dbSNP rs1553841140, ClinGen allele CA438389117.

ClinVar aggregate classification (germline): Likely benign. Review status: criteria provided, single submitter (1 of 4 stars). 2 submissions from 2 submitters: Likely benign (1). 1 of the submissions does not count toward it. Last evaluated 2017-07-17.

Conditions:
CC2D2A-related disorder. Also called: CC2D2A-related condition; CC2D2A-related disorders. Identifiers: MedGen CN239313.
Meckel-Gruber syndrome. Also called: Dysencephalia splachnocystica; DYSENCEPHALIA SPLANCHNOCYSTICA; GRUBER SYNDROME. Identifiers: Orphanet 564, MedGen C0265215, MONDO:0018921.
Joubert syndrome. Also called: Familial aplasia of the vermis; JOUBERT-BOLTSHAUSER SYNDROME. Identifiers: Orphanet 475, MedGen C5979921, MONDO:0018772.

gnomAD v4.1: 1 of 1,606,070 alleles (0.000062%); highest among the groups gnomAD compares: Non-Finnish European, 0.000085%; no homozygotes.

Submissions (2):

Labcorp Genetics (formerly Invitae), Labcorp
Classification: Likely benign for Joubert syndrome; Meckel-Gruber syndrome. Last evaluated: 2017-07-17. Review status: criteria provided, single submitter. Criteria: Invitae Variant Classification Sherloc (09022015). Collection method: clinical testing. Allele origin: germline.

PreventionGenetics, part of Exact Sciences
Classification: Likely benign for CC2D2A-related condition. Last evaluated: 2021-03-19. Review status: no assertion criteria provided. Collection method: clinical testing. Allele origin: germline. Not counted in ClinVar's aggregate classification.
Comment: This variant is classified as likely benign based on ACMG/AMP sequence variant interpretation guidelines (Richards et al. 2015 PMID: 25741868, with internal and published modifications).